The following is an entry in ClinVar:

NM_000057.4(BLM):c.1817_1820del (p.Asp606fs)

Gene: BLM (BLM RecQ like helicase; plus strand). Cytogenetic location: 15q26.1.
Variant type: Deletion.
Coding change: c.1817_1820del on transcript NM_000057.4 (MANE Select); coding-DNA positions 1817 to 1820, 4 bases deleted (ACTG; older notation c.1817_1820delACTG).
Protein change: p.Asp606fs; shifts the reading frame from aspartic acid 606.
Molecular consequence: frameshift variant.
Genome position (GRCh38, 1-based): chr15:90,761,190-90,761,193, ACTG deleted; deleting any 4 consecutive bases within chr15:90,761,189-90,761,193 gives the same sequence; the c. name uses the placement nearest the transcript's 3' end. VCF-style (leftmost placement, unchanged base first): chr15-90761188-AGACT-A. GRCh37 (hg19) VCF-style: chr15-91304418-AGACT-A.
Other names: c.1817_1820delACTG (NM_000057.2); c.1817_1820del, p.Asp606fs (NM_001287246.2, NM_001287247.2); c.692_695del, p.Asp231fs (NM_001287248.2); c.1817_1820del (LRG_20t1, NM_000057.3); short protein forms D606fs, D231fs.
Identifiers: ClinVar variation 553374 (VCV000553374.9), dbSNP rs1555419980, ClinGen allele CA658824617.

ClinVar aggregate classification (germline): Pathogenic/Likely pathogenic. Review status: criteria provided, multiple submitters, no conflicts (2 of 4 stars). 4 submissions from 4 submitters: Pathogenic (1); Likely pathogenic (2). 1 of the submissions does not count toward it. Last evaluated 2026-08-24.

Conditions:
Bloom syndrome (BLM). Also called: Bloom-Torre-Machacek syndrome. Identifiers: Orphanet 125, MedGen C0005859, MONDO:0008876, OMIM 210900.

Submissions (4):

Myriad Genetics, Inc.
Classification: Pathogenic for Bloom syndrome. Last evaluated: 2026-08-24. Review status: criteria provided, single submitter. Criteria: Myriad Autosomal Dominant, Autosomal Recessive and X-Linked Classification Criteria (2023). Collection method: clinical testing. Allele origin: unknown.
Comment: This variant is considered pathogenic. This variant creates a frameshift predicted to result in premature protein truncation.

Quest Diagnostics Nichols Institute San Juan Capistrano
Classification: Likely pathogenic. Last evaluated: 2024-03-29. Review status: criteria provided, single submitter. Criteria: Quest Diagnostics criteria. Collection method: clinical testing. Allele origin: unknown.
Comment: The BLM c.1817_1820del (p.Asp606Valfs*11) variant alters the translational reading frame of the BLM mRNA and is predicted to cause the premature termination of BLM protein synthesis. This variant has not been reported in individuals with BLM-related conditions in the published literature. This variant has not been reported in large, multi-ethnic general populations (Genome Aggregation Database). Based on the available information, this variant is classified as likely pathogenic.

Revvity Omics, Revvity
Classification: Likely pathogenic for Bloom syndrome. Last evaluated: 2021-01-12. Review status: criteria provided, single submitter. Criteria: ACMG Guidelines, 2015. Collection method: clinical testing. Allele origin: germline.

Counsyl
Classification: Likely pathogenic for Bloom syndrome. Last evaluated: 2017-08-16. Review status: no assertion criteria provided. Collection method: clinical testing. Allele origin: unknown. Not counted in ClinVar's aggregate classification.